The following is an entry in ClinVar:

NM_014704.4(CEP104):c.1950A>G (p.Pro650=)

Genes: CEP104 (centrosomal protein 104; minus strand), LOC126805586 (CDK7 strongly-dependent group 2 enhancer GRCh37_chr1:3745882-3747081; plus strand). Cytogenetic location: 1p36.32.
Variant type: single nucleotide variant.
Coding change: c.1950A>G on transcript NM_014704.4 (MANE Select); coding-DNA position 1950, A replaced by G.
Protein change: p.Pro650=; no amino-acid change (proline 650 retained).
Molecular consequence: synonymous variant.
Genome position (GRCh38, 1-based): chr1:3,829,884, T>C on the plus strand (A>G on the coding strand, the complement: CEP104 is on the minus strand). VCF-style: chr1-3829884-T-C. GRCh37 (hg19) VCF-style: chr1-3746448-T-C.
Other names: c.1950A>G (NM_014704.3).
Identifiers: ClinVar variation 1674532 (VCV001674532.11), dbSNP rs150482833, ClinGen allele CA551464.

ClinVar aggregate classification (germline): Likely benign. Review status: criteria provided, multiple submitters, no conflicts (2 of 4 stars). 3 submissions from 3 submitters: Likely benign (2). 1 of the submissions does not count toward it. Last evaluated 2025-12-08.

Conditions:
Joubert syndrome 25 (JBTS25). Identifiers: Orphanet 475, MedGen C4084842, MONDO:0014770, OMIM 616781.
CEP104-related disorder. Also called: CEP104-related condition.

Allele frequency attached by ClinVar (database versions not stated): ExAC 0.00011; gnomAD 0.00011; ESP Exome Variant Server 0.00015; gnomAD exomes 0.00016 and 0.00025; TOPMed 0.00017.
gnomAD v4.1: 386 of 1,614,058 alleles (0.024%); highest among the groups gnomAD compares: Non-Finnish European, 0.03%; no homozygotes.

Submissions (3):

Labcorp Genetics (formerly Invitae), Labcorp
Classification: Likely benign for Joubert syndrome 25. Last evaluated: 2025-12-08. Review status: criteria provided, single submitter. Criteria: Invitae Variant Classification Sherloc (09022015). Collection method: clinical testing. Allele origin: germline.

Blueprint Genetics
Classification: Likely benign. Last evaluated: 2023-10-23. Review status: criteria provided, single submitter. Criteria: ACMG Guidelines, 2015. Collection method: clinical testing. Allele origin: germline.

PreventionGenetics, part of Exact Sciences
Classification: Likely benign for CEP104-related condition. Last evaluated: 2019-03-06. Review status: no assertion criteria provided. Collection method: clinical testing. Allele origin: germline. Not counted in ClinVar's aggregate classification.
Comment: This variant is classified as likely benign based on ACMG/AMP sequence variant interpretation guidelines (Richards et al. 2015 PMID: 25741868, with internal and published modifications).